The following is an entry in ClinVar:

ClinVar aggregate classification (germline): Uncertain significance (1 of 4 stars; one submission).

Allele frequency attached by ClinVar (database versions not stated): gnomAD exomes below 0.00001 and 0.00001; ExAC 0.00001; gnomAD 0.00001.
gnomAD v4.1: 7 of 1,614,000 alleles (0.00043%); highest among the groups gnomAD compares: South Asian, 0.0033%; no homozygotes.

Submission:

Labcorp Genetics (formerly Invitae), Labcorp
Classification: Uncertain significance. Last evaluated: 2022-03-10. Review status: criteria provided, single submitter. Criteria: Invitae Variant Classification Sherloc (09022015). Collection method: clinical testing. Allele origin: germline.
Comment: This sequence change creates a premature translational stop signal (p.Arg464*) in the PRPF6 gene. It is expected to result in an absent or disrupted protein product. However, the current clinical and genetic evidence is not sufficient to establish whether loss-of-function variants in PRPF6 cause disease. This variant is present in population databases (rs752513491, gnomAD 0.003%). This variant has not been reported in the literature in individuals affected with PRPF6-related conditions. In summary, the available evidence is currently insufficient to determine the role of this variant in disease. Therefore, it has been classified as a Variant of Uncertain Significance.

NM_012469.4(PRPF6):c.1390C>T (p.Arg464Ter)

Gene: PRPF6 (pre-mRNA processing factor 6; plus strand). Cytogenetic location: 20q13.33.
Variant type: single nucleotide variant.
Coding change: c.1390C>T on transcript NM_012469.4 (MANE Select); coding-DNA position 1390, C replaced by T.
Protein change: p.Arg464Ter; replaces arginine 464 with a stop codon.
Molecular consequence: nonsense.
Genome position (GRCh38, 1-based): chr20:64,011,369, C>T. VCF-style: chr20-64011369-C-T. GRCh37 (hg19) VCF-style: chr20-62642722-C-T.
Other names: short protein forms R464*.
Identifiers: ClinVar variation 1416929 (VCV001416929.3), dbSNP rs752513491, ClinGen allele CA9972178.
Genomic context (GRCh38, chr20:64,011,369, plus strand): 5'-GAGACCTATGAAAATGCCCGCAAGGTCTTGAACAAGGCGCGGGAGAACATTCCTACAGAC[C>T]GACATATCTGGATCACGGCTGCTAAGCTGGAGGAAGCCAATGGGAACACGCAGATGGTGG-3'